The following is an entry in ClinVar:

ClinVar aggregate classification (germline): Uncertain significance (1 of 4 stars; one submission).

Submission:

GeneDx
Classification: Uncertain significance. Last evaluated: 2022-05-18. Review status: criteria provided, single submitter. Criteria: GeneDx Variant Classification Process June 2021. Collection method: clinical testing. Allele origin: germline. Affected: yes.
Comment: Not observed at significant frequency in large population cohorts (gnomAD); In silico analysis supports that this missense variant does not alter protein structure/function; Has not been previously published as pathogenic or benign to our knowledge

NM_013296.5(GPSM2):c.2041T>C (p.Ser681Pro)

Genes: CLCC1 (chloride channel CLIC like 1; minus strand), GPSM2 (G protein signaling modulator 2; plus strand). Cytogenetic location: 1p13.3.
Variant type: single nucleotide variant.
Coding change: c.2041T>C on transcript NM_013296.5 (MANE Select); coding-DNA position 2041, T replaced by C.
Protein change: p.Ser681Pro; replaces serine 681 with proline.
Molecular consequence: missense variant. On other transcripts: 3 prime UTR variant (17), non-coding transcript variant (1).
Genome position (GRCh38, 1-based): chr1:108,929,926, T>C. VCF-style: chr1-108929926-T-C. GRCh37 (hg19) VCF-style: chr1-109472548-T-C.
Other names: c.*2621A>G (NM_001048210.3, NM_001278202.2, NM_001278203.1 and 10 more transcripts); c.*2626A>G (NM_001377459.1, NM_001377460.1, NM_001377462.1 and 1 more transcripts); c.2041T>C, p.Ser681Pro (NM_001321038.2, NM_001321039.3); short protein forms S681P.
Identifiers: ClinVar variation 1800492 (VCV001800492.1), dbSNP rs2523989297, ClinGen allele CA341453424.